The following is an entry in ClinVar:

NM_001048174.2(MUTYH):c.359dup (p.Tyr120Ter)

Gene: MUTYH (mutY DNA glycosylase; minus strand). Cytogenetic location: 1p34.1.
Variant type: Duplication.
Coding change: c.359dup on transcript NM_001048174.2 (MANE Select); coding-DNA position 359, one base duplicated (A; older notation c.359dupA).
Protein change: p.Tyr120Ter; replaces tyrosine 120 with a stop codon.
Molecular consequence: nonsense. On other transcripts: frameshift variant (18), non-coding transcript variant (1), intron variant (2).
Genome position (GRCh38, 1-based): chr1:45,333,116, T duplicated on the plus strand (A on the coding strand, the reverse complement: MUTYH is on the minus strand). VCF-style (leftmost placement, unchanged base first): chr1-45333115-G-GT. GRCh37 (hg19) VCF-style: chr1-45798787-G-GT.
Other names: c.359dup, p.Tyr120Ter (NM_001048171.2, NM_001048173.2, NM_001293195.2); c.362dup, p.Tyr121Ter (NM_001048172.2); c.443dup, p.Tyr148Ter (NM_001128425.2); c.404dup, p.Tyr135Ter (NM_001293190.2); c.392dup, p.Tyr131Ter (NM_001293191.2); c.83dup, p.Tyr28Ter (NM_001293192.2, NM_001293196.2); c.434dup, p.Tyr145Terfs (NM_001407069.1); c.359dup, p.Tyr120Terfs (NM_001407070.1, NM_001407072.1, NM_001407080.1 and 3 more transcripts); and 8 more; short protein forms Y121*, Y120*, Y135*, Y148*, Y145*, Y131*, Y28*.
Identifiers: ClinVar variation 2111074 (VCV002111074.5), dbSNP rs2524220280, ClinGen allele CA2580063270.
Genomic context (GRCh38, chr1:45,333,115, plus strand): 5'-GGGGTCTGACCCATGACCCTTCCCTTCCTCCCCTGGAGTCACCTGCATCCATCCGGTATA[G>GT]TAGTTGATCACAGTGGCAACCTGGGTCTGCTGCAGCATGACCTCTGAGACCCACACTGGG-3'

ClinVar aggregate classification (germline): Pathogenic. Review status: criteria provided, multiple submitters, no conflicts (2 of 4 stars). 2 submissions from 2 submitters: Pathogenic (2). Last evaluated 2024-08-13.

Conditions:
Familial adenomatous polyposis 2. Also called: MUTYH Polyposis; COLORECTAL ADENOMATOUS POLYPOSIS, AUTOSOMAL RECESSIVE; ADENOMAS, MULTIPLE COLORECTAL, AUTOSOMAL RECESSIVE; MUTYH-associated polyposis; MYH-associated polyposis; MUTYH-related attenuated familial adenomatous polyposis. Identifiers: Orphanet 220460, Orphanet 247798, MedGen C3272841, MONDO:0012041, OMIM 608456.

Submissions (2):

All of Us Research Program, National Institutes of Health
Classification: Pathogenic for Familial adenomatous polyposis 2. Last evaluated: 2024-08-13. Review status: criteria provided, single submitter. Criteria: ACMG Guidelines, 2015. Collection method: clinical testing. Allele origin: germline. Inheritance: Autosomal recessive inheritance. Observed: 1 variant allele, 1 heterozygote.
Comment: This variant duplicates 1 nucleotide in exon 5 of the MUTYH gene, creating a premature translation stop signal. This variant is expected to result in an absent or non-functional protein product. This variant has not been reported in individuals affected with hereditary cancer in the literature. This variant has not been identified in the general population by the Genome Aggregation Database (gnomAD). Loss of MUTYH function is a known mechanism of disease. Based on the available evidence, this variant is classified as Pathogenic.

This study involves interpretation of variants in research participants for the purpose of population health screening. Participant phenotype was not available at the time of variant classification. Additional details can be found in publication PMID: 35346344, PMCID: PMC8962531

Labcorp Genetics (formerly Invitae), Labcorp
Classification: Pathogenic for Familial adenomatous polyposis 2. Last evaluated: 2022-03-13. Review status: criteria provided, single submitter. Criteria: Invitae Variant Classification Sherloc (09022015). Collection method: clinical testing. Allele origin: germline.
Comment: This sequence change creates a premature translational stop signal (p.Tyr148*) in the MUTYH gene. It is expected to result in an absent or disrupted protein product. Loss-of-function variants in MUTYH are known to be pathogenic (PMID: 18534194, 20663686). This variant is not present in population databases (gnomAD no frequency). For these reasons, this variant has been classified as Pathogenic. This variant has not been reported in the literature in individuals affected with MUTYH-related conditions.

Literature cited by the submitters: PubMed 18534194 (cited by Labcorp Genetics (formerly Invitae), Labcorp); PubMed 20663686 (cited by Labcorp Genetics (formerly Invitae), Labcorp).